The following is an entry in ClinVar:

ClinVar aggregate classification (germline): Benign/Likely benign. Review status: criteria provided, multiple submitters, no conflicts (2 of 4 stars). 13 submissions from 13 submitters: Benign (7); Likely benign (4). 2 of the submissions do not count toward it. Last evaluated 2026-09-01.

Conditions:
TSC2-related disorder. Also called: TSC2-related condition; TSC2-Related Disorders.
Hereditary cancer-predisposing syndrome. Also called: Neoplastic Syndromes, Hereditary; Tumor predisposition; Hereditary Cancer Syndrome; Hereditary neoplastic syndrome. Identifiers: Orphanet 140162, MedGen C0027672, MeSH D009386, MONDO:0015356.
Tuberous sclerosis syndrome (TSC). Also called: Tuberous Sclerosis Complex; Tuberous sclerosis. Identifiers: Orphanet 805, MedGen C0041341, MONDO:0001734.
Tuberous sclerosis 2 (TSC2). Identifiers: Orphanet 805, MedGen C1860707, MONDO:0013199, OMIM 613254.

Allele frequency attached by ClinVar (database versions not stated): gnomAD 0.00006; TOPMed 0.00007; gnomAD exomes 0.00008 and 0.00009; ExAC 0.00013; ESP Exome Variant Server 0.00023.
gnomAD v4.1: 132 of 1,612,590 alleles (0.0082%); highest among the groups gnomAD compares: Non-Finnish European, 0.01%; no homozygotes.

Submissions (13):

CeGaT Center for Human Genetics Tuebingen
Classification: Likely benign. Last evaluated: 2026-09-01. Review status: criteria provided, single submitter. Criteria: CeGaT Center For Human Genetics Tuebingen Variant Classification Criteria Version 2. Collection method: clinical testing. Allele origin: germline. Affected: yes. Observed: 5 variant alleles.
Comment: TSC2: BP4

Labcorp Genetics (formerly Invitae), Labcorp
Classification: Benign for Tuberous sclerosis 2. Last evaluated: 2026-02-02. Review status: criteria provided, single submitter. Criteria: Invitae Variant Classification Sherloc (09022015). Collection method: clinical testing. Allele origin: germline.

Myriad Genetics, Inc.
Classification: Benign for Tuberous sclerosis 2. Last evaluated: 2025-06-04. Review status: criteria provided, single submitter. Criteria: Myriad Autosomal Dominant, Autosomal Recessive and X-Linked Classification Criteria (2023). Collection method: clinical testing. Allele origin: unknown.
Comment: This variant is considered benign. This variant is a silent/synonymous amino acid change and it is not expected to impact splicing.

Blueprint Genetics
Classification: Likely benign. Last evaluated: 2024-11-11. Review status: criteria provided, single submitter. Criteria: ACMG Guidelines, 2015. Collection method: clinical testing. Allele origin: germline.

Women's Health and Genetics/Laboratory Corporation of America, LabCorp
Classification: Benign. Last evaluated: 2023-12-08. Review status: criteria provided, single submitter. Criteria: LabCorp Variant Classification Summary - May 2015. Collection method: clinical testing. Allele origin: germline.

Color Diagnostics, LLC DBA Color Health
Classification: Likely benign for Tuberous sclerosis syndrome. Last evaluated: 2022-11-06. Review status: criteria provided, single submitter. Criteria: ACMG Guidelines, 2015. Collection method: clinical testing. Allele origin: germline.

Quest Diagnostics Nichols Institute San Juan Capistrano
Classification: Benign. Last evaluated: 2022-06-22. Review status: criteria provided, single submitter. Criteria: Quest Diagnostics criteria. Collection method: clinical testing. Allele origin: unknown.

Genome-Nilou Lab
Classification: Benign for Tuberous sclerosis 2. Last evaluated: 2021-11-07. Review status: criteria provided, single submitter. Criteria: ACMG Guidelines, 2015. Collection method: clinical testing. Allele origin: germline. Affected: no.

Sema4
Classification: Benign for Hereditary cancer-predisposing syndrome. Last evaluated: 2021-08-03. Review status: criteria provided, single submitter. Criteria: Sema4 Curation Guidelines. Collection method: curation. Allele origin: germline.

Ambry Genetics
Classification: Likely benign for Hereditary cancer-predisposing syndrome. Last evaluated: 2015-09-28. Review status: criteria provided, single submitter. Criteria: Ambry Variant Classification Scheme 2023. Collection method: clinical testing. Allele origin: germline.

GeneDx
Classification: Benign. Last evaluated: 2015-07-30. Review status: criteria provided, single submitter. Criteria: GeneDx Variant Classification (06012015). Collection method: clinical testing. Allele origin: germline. Affected: yes.
Comment: This variant is considered likely benign or benign based on one or more of the following criteria: it is a conservative change, it occurs at a poorly conserved position in the protein, it is predicted to be benign by multiple in silico algorithms, and/or has population frequency not consistent with disease.

PreventionGenetics, part of Exact Sciences
Classification: Likely benign for TSC2-related condition. Last evaluated: 2022-02-17. Review status: no assertion criteria provided. Collection method: clinical testing. Allele origin: germline. Not counted in ClinVar's aggregate classification.
Comment: This variant is classified as likely benign based on ACMG/AMP sequence variant interpretation guidelines (Richards et al. 2015 PMID: 25741868, with internal and published modifications).

Tuberous sclerosis database (TSC2)
No classification provided. Condition: TSC. Review status: no classification provided. Criteria: Tuberous Sclerosis Database Assertion Criteria 2015. Collection method: curation. Allele origin: germline. Affected: yes. Not counted in ClinVar's aggregate classification.

Literature cited by the submitters: PubMed 15798777 (cited by Ambry Genetics).

NM_000548.5(TSC2):c.4683C>T (p.Ile1561=)

Gene: TSC2 (TSC complex subunit 2; plus strand). Cytogenetic location: 16p13.3.
Variant type: single nucleotide variant.
Coding change: c.4683C>T on transcript NM_000548.5 (MANE Select); coding-DNA position 4683, C replaced by T.
Protein change: p.Ile1561=; no amino-acid change (isoleucine 1561 retained).
Molecular consequence: synonymous variant.
Genome position (GRCh38, 1-based): chr16:2,086,213, C>T. VCF-style: chr16-2086213-C-T. GRCh37 (hg19) VCF-style: chr16-2136214-C-T.
Other names: c.4482C>T, p.Ile1494= (NM_001077183.3); c.4614C>T, p.Ile1538= (NM_001114382.3); c.4374C>T, p.Ile1458= (NM_001318827.2); c.4338C>T, p.Ile1446= (NM_001318829.2); c.3951C>T, p.Ile1317= (NM_001318831.2); c.4515C>T, p.Ile1505= (NM_001318832.2); c.4485C>T, p.Ile1495= (NM_001363528.2); c.4551C>T, p.Ile1517= (NM_001370404.1); and 2 more.
Identifiers: ClinVar variation 65198 (VCV000065198.48), dbSNP rs145033857, ClinGen allele CA020897.